The following is an entry in ClinVar:

ClinVar aggregate classification (germline): Uncertain significance (1 of 4 stars; one submission).

Conditions:
Hereditary spastic paraplegia 49 (HSAN9). Also called: Spastic paraplegia 49, autosomal recessive; TECPR2-Related Hereditary Sensory and Autonomic Neuropathy with Intellectual Disability; NEUROPATHY, HEREDITARY SENSORY AND AUTONOMIC, TYPE IX, WITH DEVELOPMENTAL DELAY. Identifiers: Orphanet 320385, MedGen C5190860, MONDO:0014016, OMIM 615031.

Submission:

Labcorp Genetics (formerly Invitae), Labcorp
Classification: Uncertain significance for Hereditary spastic paraplegia 49. Last evaluated: 2021-03-09. Review status: criteria provided, single submitter. Criteria: Invitae Variant Classification Sherloc (09022015). Collection method: clinical testing. Allele origin: germline.
Comment: In summary, the available evidence is currently insufficient to determine the role of this variant in disease. Therefore, it has been classified as a Variant of Uncertain Significance. Algorithms developed to predict the effect of missense changes on protein structure and function output the following: SIFT: "Tolerated"; PolyPhen-2: "Benign"; Align-GVGD: "Class C0". The histidine amino acid residue is found in multiple mammalian species, suggesting that this missense change does not adversely affect protein function. These predictions have not been confirmed by published functional studies and their clinical significance is uncertain. This variant has not been reported in the literature in individuals with TECPR2-related conditions. This variant is not present in population databases (ExAC no frequency). This sequence change replaces glutamine with histidine at codon 708 of the TECPR2 protein (p.Gln708His). The glutamine residue is weakly conserved and there is a small physicochemical difference between glutamine and histidine.

NM_014844.5(TECPR2):c.2124G>C (p.Gln708His)

Gene: TECPR2 (tectonin beta-propeller repeat containing 2; plus strand). Cytogenetic location: 14q32.31.
Variant type: single nucleotide variant.
Coding change: c.2124G>C on transcript NM_014844.5 (MANE Select); coding-DNA position 2124, G replaced by C.
Protein change: p.Gln708His; replaces glutamine 708 with histidine.
Molecular consequence: missense variant.
Genome position (GRCh38, 1-based): chr14:102,434,941, G>C. VCF-style: chr14-102434941-G-C. GRCh37 (hg19) VCF-style: chr14-102901278-G-C.
Other names: c.2124G>C, p.Gln708His (NM_001172631.3); short protein forms Q708H.
Identifiers: ClinVar variation 1505399 (VCV001505399.7), dbSNP rs896270875, ClinGen allele CA391062173.
Genomic context (GRCh38, chr14:102,434,941, plus strand): 5'-GGCCTCTGGCCACCTCAGCACAAATCTCTGGCATGCTGTCACTGATGATGACACAGGTCA[G>C]AAAGAAATACCCATTTCTGAACGTGTCTTGGGGAGTGTGGGAGGACAGCTGACTCCGGTC-3'
Protein context (NP_055659.2, residues 698-718): WHAVTDDDTG[Gln708His]KEIPISERVL